The following is an entry in ClinVar:

NM_002485.5(NBN):c.2234+14C>T

Gene: NBN (nibrin; minus strand). Cytogenetic location: 8q21.3.
Variant type: single nucleotide variant.
Coding change: c.2234+14C>T on transcript NM_002485.5 (MANE Select); 14 bases into the intron after coding-DNA position 2234, C replaced by T.
Molecular consequence: intron variant.
Genome position (GRCh38, 1-based): chr8:89,937,012, G>A on the plus strand (C>T on the coding strand, the complement: NBN is on the minus strand). VCF-style: chr8-89937012-G-A. GRCh37 (hg19) VCF-style: chr8-90949240-G-A.
Other names: c.1988+14C>T (NM_001024688.3).
Identifiers: ClinVar variation 380129 (VCV000380129.7), dbSNP rs763071338, ClinGen allele CA4802581.

ClinVar aggregate classification (germline): Likely benign. Review status: criteria provided, multiple submitters, no conflicts (2 of 4 stars). 2 submissions from 2 submitters: Likely benign (2). Last evaluated 2025-10-01.

Conditions:
Microcephaly, normal intelligence and immunodeficiency (NBS). Also called: BERLIN BREAKAGE SYNDROME; SEEMANOVA SYNDROME II; Nijmegen breakage syndrome; IMMUNODEFICIENCY, MICROCEPHALY, AND CHROMOSOMAL INSTABILITY; Immunodeficiency, microcephaly with normal intelligence; Microcephaly with normal intelligence immunodeficiency and lymphoreticular malignancies. Identifiers: Orphanet 647, MedGen C0398791, MONDO:0009623, OMIM 251260.

Allele frequency attached by ClinVar (database versions not stated): gnomAD exomes below 0.00001.
gnomAD v4.1: 4 of 1,591,986 alleles (0.00025%); highest among the groups gnomAD compares: East Asian, 0.0022%; no homozygotes.

Submissions (2):

Labcorp Genetics (formerly Invitae), Labcorp
Classification: Likely benign for Microcephaly, normal intelligence and immunodeficiency. Last evaluated: 2025-10-01. Review status: criteria provided, single submitter. Criteria: Invitae Variant Classification Sherloc (09022015). Collection method: clinical testing. Allele origin: germline.

GeneDx
Classification: Likely benign. Last evaluated: 2016-05-28. Review status: criteria provided, single submitter. Criteria: GeneDx Variant Classification (06012015). Collection method: clinical testing. Allele origin: germline. Affected: yes.
Comment: This variant is considered likely benign or benign based on one or more of the following criteria: it is a conservative change, it occurs at a poorly conserved position in the protein, it is predicted to be benign by multiple in silico algorithms, and/or has population frequency not consistent with disease.